The following is an entry in ClinVar:

NM_002850.4(PTPRS):c.3984C>T (p.Ala1328=)

Gene: PTPRS (protein tyrosine phosphatase receptor type S; minus strand). Cytogenetic location: 19p13.3.
Variant type: single nucleotide variant.
Coding change: c.3984C>T on transcript NM_002850.4 (MANE Select); coding-DNA position 3984, C replaced by T.
Protein change: p.Ala1328=; no amino-acid change (alanine 1328 retained).
Molecular consequence: synonymous variant.
Genome position (GRCh38, 1-based): chr19:5,218,484, G>A on the plus strand (C>T on the coding strand, the complement: PTPRS is on the minus strand). VCF-style: chr19-5218484-G-A. GRCh37 (hg19) VCF-style: chr19-5218495-G-A.
Other names: c.3918C>T, p.Ala1306= (NM_001394011.1, NM_130854.3); c.3945C>T, p.Ala1315= (NM_001394012.1); c.3906C>T, p.Ala1302= (NM_001394013.1); c.2691C>T, p.Ala897= (NM_130853.3); c.2703C>T, p.Ala901= (NM_130855.3).
Identifiers: ClinVar variation 4821277 (VCV004821277.4).

ClinVar aggregate classification (germline): Likely benign (1 of 4 stars; one submission).

Submission:

CeGaT Center for Human Genetics Tuebingen
Classification: Likely benign. Last evaluated: 2026-02-01. Review status: criteria provided, single submitter. Criteria: CeGaT Center For Human Genetics Tuebingen Variant Classification Criteria Version 2. Collection method: clinical testing. Allele origin: germline. Affected: yes. Observed: 1 variant allele.
Comment: PTPRS: BP4, BP7